The following is an entry in ClinVar:

ClinVar aggregate classification (germline): Uncertain significance (1 of 4 stars; one submission).

Conditions:
Werner syndrome (WRN). Identifiers: Orphanet 902, MedGen C0043119, MONDO:0010196, OMIM 277700.

Allele frequency attached by ClinVar (database versions not stated): gnomAD exomes below 0.00001.

Submission:

Labcorp Genetics (formerly Invitae), Labcorp
Classification: Uncertain significance for Werner syndrome. Last evaluated: 2025-03-03. Review status: criteria provided, single submitter. Criteria: Invitae Variant Classification Sherloc (09022015). Collection method: clinical testing. Allele origin: germline.
Comment: This sequence change replaces aspartic acid, which is acidic and polar, with glycine, which is neutral and non-polar, at codon 344 of the WRN protein (p.Asp344Gly). This variant is not present in population databases (gnomAD no frequency). This variant has not been reported in the literature in individuals affected with WRN-related conditions. ClinVar contains an entry for this variant (Variation ID: 2794733). An algorithm developed to predict the effect of missense changes on protein structure and function (PolyPhen-2) suggests that this variant is likely to be tolerated. In summary, the available evidence is currently insufficient to determine the role of this variant in disease. Therefore, it has been classified as a Variant of Uncertain Significance.

NM_000553.6(WRN):c.1031A>G (p.Asp344Gly)

Gene: WRN (WRN RecQ like helicase; plus strand). Cytogenetic location: 8p12.
Variant type: single nucleotide variant.
Coding change: c.1031A>G on transcript NM_000553.6 (MANE Select); coding-DNA position 1031, A replaced by G.
Protein change: p.Asp344Gly; replaces aspartic acid 344 with glycine.
Molecular consequence: missense variant.
Genome position (GRCh38, 1-based): chr8:31,081,058, A>G. VCF-style: chr8-31081058-A-G. GRCh37 (hg19) VCF-style: chr8-30938574-A-G.
Other names: short protein forms D344G.
Identifiers: ClinVar variation 2794733 (VCV002794733.3), dbSNP rs2535910485, ClinGen allele CA370920341.